The following is an entry in ClinVar:

NM_000090.4(COL3A1):c.3244C>T (p.Arg1082Ter)

Gene: COL3A1 (collagen type III alpha 1 chain; plus strand). Cytogenetic location: 2q32.2.
Variant type: single nucleotide variant.
Coding change: c.3244C>T on transcript NM_000090.4 (MANE Select); coding-DNA position 3244, C replaced by T.
Protein change: p.Arg1082Ter; replaces arginine 1082 with a stop codon.
Molecular consequence: nonsense.
Genome position (GRCh38, 1-based): chr2:189,006,979, C>T. VCF-style: chr2-189006979-C-T. GRCh37 (hg19) VCF-style: chr2-189871705-C-T.
Other names: short protein forms R1082*.
Identifiers: ClinVar variation 2419968 (VCV002419968.10), dbSNP rs2469159525, ClinGen allele CA349845304.

ClinVar aggregate classification (germline): Pathogenic/Likely pathogenic. Review status: criteria provided, multiple submitters, no conflicts (2 of 4 stars). 3 submissions from 3 submitters: Pathogenic (1); Likely pathogenic (2). Last evaluated 2026-02-26.

Conditions:
Thoracic aortic aneurysm or dissection.
Ehlers-Danlos syndrome, type 4 (EDSVASC). Also called: Ehlers-Danlos syndrome vascular type; Ehlers Danlos syndrome, ecchymotic type; Ehlers Danlos syndrome, arterial type; Ehlers Danlos syndrome, Sack-Barabas type; Ehlers-Danlos Syndrome Type IV. Identifiers: Orphanet 286, MedGen C0268338, MONDO:0017314, OMIM 130050.

Allele frequency attached by ClinVar (database versions not stated): gnomAD exomes below 0.00001; gnomAD 0.00001.
gnomAD v4.1: 3 of 1,612,390 alleles (0.00019%); highest among the groups gnomAD compares: East Asian, 0.0022%; no homozygotes.

Submissions (3):

NHS Central & South Genomic Laboratory Hub
Classification: Likely pathogenic for Thoracic aortic aneurysm or dissection. Last evaluated: 2026-02-26. Review status: criteria provided, single submitter. Criteria: ACMG Guidelines, 2015. Collection method: clinical testing. Allele origin: germline. Affected: yes.

GeneDx
Classification: Likely pathogenic. Last evaluated: 2023-11-09. Review status: criteria provided, single submitter. Criteria: GeneDx Variant Classification Process June 2021. Collection method: clinical testing. Allele origin: germline. Affected: yes.
Comment: Nonsense variant predicted to result in protein truncation or nonsense mediated decay in a gene for which loss of function is a known mechanism of disease; Not observed at significant frequency in large population cohorts (gnomAD); Has not been previously published as pathogenic or benign to our knowledge

Labcorp Genetics (formerly Invitae), Labcorp
Classification: Pathogenic for Ehlers-Danlos syndrome, type 4. Last evaluated: 2023-08-17. Review status: criteria provided, single submitter. Criteria: Invitae Variant Classification Sherloc (09022015). Collection method: clinical testing. Allele origin: germline.
Comment: This sequence change creates a premature translational stop signal (p.Arg1082*) in the COL3A1 gene. It is expected to result in an absent or disrupted protein product. Loss-of-function variants in COL3A1 are known to be pathogenic (PMID: 24922459). This variant is not present in population databases (gnomAD no frequency). This variant has not been reported in the literature in individuals affected with COL3A1-related conditions. ClinVar contains an entry for this variant (Variation ID: 2419968). For these reasons, this variant has been classified as Pathogenic.

Literature cited by the submitters: PubMed 24922459 (cited by Labcorp Genetics (formerly Invitae), Labcorp).